The following is an entry in ClinVar:

NM_012463.4(ATP6V0A2):c.1094C>T (p.Thr365Ile)

Gene: ATP6V0A2 (ATPase H+ transporting V0 subunit a2; plus strand). Cytogenetic location: 12q24.31.
Variant type: single nucleotide variant.
Coding change: c.1094C>T on transcript NM_012463.4 (MANE Select); coding-DNA position 1094, C replaced by T.
Protein change: p.Thr365Ile; replaces threonine 365 with isoleucine.
Molecular consequence: missense variant.
Genome position (GRCh38, 1-based): chr12:123,743,840, C>T. VCF-style: chr12-123743840-C-T. GRCh37 (hg19) VCF-style: chr12-124228387-C-T.
Other names: short protein forms T365I.
Identifiers: ClinVar variation 1393272 (VCV001393272.6), dbSNP rs779001204, ClinGen allele CA6861837.

ClinVar aggregate classification (germline): Uncertain significance (1 of 4 stars; one submission).

Conditions:
ALG9 congenital disorder of glycosylation (CDG1L). Also called: CDG Il; CONGENITAL DISORDER OF GLYCOSYLATION, TYPE Il; ALG9-CDG. Identifiers: Orphanet 79328, MedGen C2931006, MONDO:0012117, OMIM 608776.

Allele frequency attached by ClinVar (database versions not stated): gnomAD exomes below 0.00001; ExAC 0.00001.
gnomAD v4.1: 2 of 1,614,090 alleles (0.00012%); highest among the groups gnomAD compares: Non-Finnish European, 0.00017%; no homozygotes.

Submission:

Labcorp Genetics (formerly Invitae), Labcorp
Classification: Uncertain significance for ALG9 congenital disorder of glycosylation. Last evaluated: 2021-11-27. Review status: criteria provided, single submitter. Criteria: Invitae Variant Classification Sherloc (09022015). Collection method: clinical testing. Allele origin: germline.
Comment: In summary, the available evidence is currently insufficient to determine the role of this variant in disease. Therefore, it has been classified as a Variant of Uncertain Significance. Algorithms developed to predict the effect of missense changes on protein structure and function (SIFT, PolyPhen-2, Align-GVGD) all suggest that this variant is likely to be tolerated. This variant has not been reported in the literature in individuals affected with ATP6V0A2-related conditions. This variant is present in population databases (rs779001204, gnomAD 0.0009%). This sequence change replaces threonine, which is neutral and polar, with isoleucine, which is neutral and non-polar, at codon 365 of the ATP6V0A2 protein (p.Thr365Ile).